The following is an entry in ClinVar:

NM_000297.4(PKD2):c.*239T>G

Gene: PKD2 (polycystin 2, transient receptor potential cation channel; plus strand). Cytogenetic location: 4q22.1.
Variant type: single nucleotide variant.
Coding change: c.*239T>G on transcript NM_000297.4 (MANE Select); 239 bases downstream of the stop codon, T replaced by G.
Molecular consequence: 3 prime UTR variant. On other transcripts: non-coding transcript variant (1).
Genome position (GRCh38, 1-based): chr4:88,075,933, T>G. VCF-style: chr4-88075933-T-G. GRCh37 (hg19) VCF-style: chr4-88997085-T-G.
Identifiers: ClinVar variation 350036 (VCV000350036.6), dbSNP rs147418332, ClinGen allele CA10618570.
Genomic context (GRCh38, chr4:88,075,933, plus strand): 5'-TTTTTTCTTTTTCTCATATAAGAAATCTAGGTGTAAATATTGAGTACAGAAAAAAAATCT[T>G]CATGATGTGTATTGAGCGGTACGCCCAGTTGCCACCATGACTGAGTCTTCTCAGTTGACA-3'

ClinVar aggregate classification (germline): Likely benign. Review status: criteria provided, multiple submitters, no conflicts (2 of 4 stars). 2 submissions from 2 submitters: Likely benign (2). Last evaluated 2018-01-13.

Conditions:
Polycystic kidney disease 2 (PKD2). Also called: Polycystic Kidney Disease 2, Autosomal Dominant; POLYCYSTIC KIDNEY DISEASE, ADULT, TYPE II; POLYCYSTIC KIDNEY DISEASE 2 WITH OR WITHOUT POLYCYSTIC LIVER DISEASE. Identifiers: MedGen C2751306, MONDO:0013131, OMIM 613095.

Allele frequency attached by ClinVar (database versions not stated): 1000 Genomes Project 0.00300; gnomAD exomes 0.00041; gnomAD 0.00222 and 0.00237; TOPMed 0.00237; 1000 Genomes Project 30x 0.00265.
gnomAD v4.1: 501 of 524,406 alleles (0.096%); highest among the groups gnomAD compares: African/African-American, 0.79%; no homozygotes.

Submissions (2):

Illumina Laboratory Services, Illumina
Classification: Likely benign for Polycystic kidney disease 2. Last evaluated: 2018-01-13. Review status: criteria provided, single submitter. Criteria: ICSL Variant Classification Criteria 13 December 2019. Collection method: clinical testing. Allele origin: germline.
Comment: This variant was observed in the ICSL laboratory as part of a predisposition screen in an ostensibly healthy population. It had not been previously curated by ICSL or reported in the Human Gene Mutation Database (HGMD: prior to June 1st, 2018), and was therefore a candidate for classification through an automated scoring system. Utilizing variant allele frequency, disease prevalence and penetrance estimates, and inheritance mode, an automated score was calculated to assess if this variant is too frequent to cause the disease. Based on the score and internal cut-off values, a variant classified as likely benign is not then subjected to further curation. The score for this variant resulted in a classification of likely benign for this disease.

Breakthrough Genomics
Classification: Likely benign. Review status: criteria provided, single submitter. Criteria: ACMG Guidelines, 2015. Collection method: not provided. Allele origin: germline. Inheritance: Autosomal dominant inheritance. Affected: yes.